The following is an entry in ClinVar:

NM_001083962.2(TCF4):c.1135_1138dup (p.His380fs)

Gene: TCF4 (transcription factor 4; minus strand). Cytogenetic location: 18q21.2.
Variant type: Duplication.
Coding change: c.1135_1138dup on transcript NM_001083962.2 (MANE Select); coding-DNA positions 1135 to 1138, 4 bases duplicated (TTAC; older notation c.1135_1138dupTTAC).
Protein change: p.His380fs; shifts the reading frame from histidine 380.
Molecular consequence: frameshift variant.
Genome position (GRCh38, 1-based): chr18:55,257,323-55,257,326, GTAA duplicated on the plus strand (TTAC on the coding strand, the reverse complement: TCF4 is on the minus strand); duplicating any 4 consecutive bases within chr18:55,257,323-55,257,327 gives the same sequence; the c. name uses the placement nearest the transcript's 3' end. VCF-style (leftmost placement, unchanged base first): chr18-55257322-T-TGTAA. GRCh37 (hg19) VCF-style: chr18-52924553-T-TGTAA.
Other names: c.1441_1444dup, p.His482fs (NM_001243226.3); c.1063_1066dup, p.His356fs (NM_001243227.2, NM_001306207.1, NM_001348217.1 and 5 more transcripts); c.1153_1156dup, p.His386fs (NM_001243228.2); c.1126_1129dup, p.His377fs (NM_001243230.2); c.1009_1012dup, p.His338fs (NM_001243231.2, NM_001348211.2); c.922_925dup, p.His309fs (NM_001243232.1, NM_001306208.1); c.745_748dup, p.His250fs (NM_001243233.2, NM_001330605.3, NM_001348212.2 and 1 more transcripts); c.655_658dup, p.His220fs (NM_001243234.2, NM_001243235.2, NM_001243236.2 and 1 more transcripts); and 6 more; short protein forms H220fs, H356fs, H164fs, H309fs, H355fs, H357fs, H377fs, H379fs.
Identifiers: ClinVar variation 1355508 (VCV001355508.6), dbSNP rs2145598769, ClinGen allele CA2573155426.
Genomic context (GRCh38, chr18:55,257,322, plus strand): 5'-GAAAGAACATGACCTGAAAATGGGTGGGACAGAGATTAGCAAATGAGACATACCAAAGAG[T>TGTAA]GTAAGGGTCCTTCATAATTAGGAGACGATGAGGCCTGTCCTCCATTTCTAGACCAAACAG-3'

ClinVar aggregate classification (germline): Pathogenic (1 of 4 stars; one submission).

Conditions:
Pitt-Hopkins syndrome (PTHS). Also called: ENCEPHALOPATHY, SEVERE EPILEPTIC, WITH AUTONOMIC DYSFUNCTION; MENTAL RETARDATION, SYNDROMAL, WITH INTERMITTENT HYPERVENTILATION. Identifiers: Orphanet 2896, MedGen C1970431, MONDO:0012589, OMIM 610954.

Submission:

Labcorp Genetics (formerly Invitae), Labcorp
Classification: Pathogenic for Pitt-Hopkins syndrome. Last evaluated: 2022-08-16. Review status: criteria provided, single submitter. Criteria: Invitae Variant Classification Sherloc (09022015). Collection method: clinical testing. Allele origin: germline.
Comment: For these reasons, this variant has been classified as Pathogenic. ClinVar contains an entry for this variant (Variation ID: 1355508). This sequence change creates a premature translational stop signal (p.His380Leufs*9) in the TCF4 gene. It is expected to result in an absent or disrupted protein product. Loss-of-function variants in TCF4 are known to be pathogenic (PMID: 18728071, 22045651). This variant is not present in population databases (gnomAD no frequency). This variant has not been reported in the literature in individuals affected with TCF4-related conditions.

Literature cited by the submitters: PubMed 18728071; PubMed 22045651.